The following is an entry in ClinVar:

NM_003072.5(SMARCA4):c.25G>A (p.Gly9Ser)

Gene: SMARCA4 (SWI/SNF related BAF chromatin remodeling complex subunit ATPase 4; plus strand). Cytogenetic location: 19p13.2.
Variant type: single nucleotide variant.
Coding change: c.25G>A on transcript NM_003072.5 (MANE Select); coding-DNA position 25, G replaced by A.
Protein change: p.Gly9Ser; replaces glycine 9 with serine.
Molecular consequence: missense variant. On other transcripts: non-coding transcript variant (1).
Genome position (GRCh38, 1-based): chr19:10,984,176, G>A. VCF-style: chr19-10984176-G-A. GRCh37 (hg19) VCF-style: chr19-11094852-G-A.
Other names: c.25G>A, p.Gly9Ser (NM_001128844.3, NM_001128845.2, NM_001128846.2 and 5 more transcripts); short protein forms G9S.
Identifiers: ClinVar variation 588407 (VCV000588407.6), dbSNP rs1568416609, ClinGen allele CA404053896.

ClinVar aggregate classification (germline): Uncertain significance (1 of 4 stars; one submission).

Conditions:
Hereditary cancer-predisposing syndrome. Also called: Tumor predisposition; Neoplastic Syndromes, Hereditary; Hereditary neoplastic syndrome; Hereditary Cancer Syndrome. Identifiers: Orphanet 140162, MedGen C0027672, MeSH D009386, MONDO:0015356.

Allele frequency attached by ClinVar (database versions not stated): gnomAD exomes below 0.00001.
gnomAD v4.1: 2 of 1,613,670 alleles (0.00012%); highest among the groups gnomAD compares: Non-Finnish European, 0.00017%; no homozygotes.

Submission:

Ambry Genetics
Classification: Uncertain significance for Hereditary cancer-predisposing syndrome. Last evaluated: 2024-07-19. Review status: criteria provided, single submitter. Criteria: Ambry Variant Classification Scheme 2023. Collection method: clinical testing. Allele origin: germline.
Comment: The p.G9S variant (also known as c.25G>A), located in coding exon 1 of the SMARCA4 gene, results from a G to A substitution at nucleotide position 25. The glycine at codon 9 is replaced by serine, an amino acid with similar properties. This amino acid position is highly conserved in available vertebrate species. In addition, the in silico prediction for this alteration is inconclusive. Based on the available evidence, the clinical significance of this variant remains unclear.